The following is an entry in ClinVar:

NM_023110.3(FGFR1):c.1393C>T (p.Leu465Phe)

Gene: FGFR1 (fibroblast growth factor receptor 1; minus strand). Cytogenetic location: 8p11.23.
Variant type: single nucleotide variant.
Coding change: c.1393C>T on transcript NM_023110.3 (MANE Select); coding-DNA position 1393, C replaced by T.
Protein change: p.Leu465Phe; replaces leucine 465 with phenylalanine.
Molecular consequence: missense variant.
Genome position (GRCh38, 1-based): chr8:38,418,265, G>A on the plus strand (C>T on the coding strand, the complement: FGFR1 is on the minus strand). VCF-style: chr8-38418265-G-A. GRCh37 (hg19) VCF-style: chr8-38275783-G-A.
Other names: c.1393C>T, p.Leu465Phe (NM_000604.2); c.1387C>T, p.Leu463Phe (NM_001174063.2, NM_001174065.2, NM_001354367.2 and 1 more transcripts); c.1363C>T, p.Leu455Phe (NM_001174064.2); c.1126C>T, p.Leu376Phe (NM_001174066.2, NM_023105.3); c.1486C>T, p.Leu496Phe (NM_001174067.2); c.1114C>T, p.Leu372Phe (NM_001354368.2); c.1381C>T, p.Leu461Phe (NM_001354369.2, NM_001410922.1); c.1120C>T, p.Leu374Phe (NM_001354370.2, NM_023106.3); short protein forms L372F, L463F, L496F, L374F, L376F, L461F, L455F, L465F.
Identifiers: ClinVar variation 3094797 (VCV003094797.3), dbSNP rs1189940197, ClinGen allele CA370733246.

ClinVar aggregate classification (germline): Uncertain significance. Review status: criteria provided, multiple submitters, no conflicts (2 of 4 stars). 2 submissions from 2 submitters: Uncertain significance (2). Last evaluated 2024-10-24.

Conditions:
Inborn genetic diseases. Identifiers: MedGen C0950123, MeSH D030342.
Hypogonadotropic hypogonadism 2 with or without anosmia (HH2). Also called: HYPOGONADOTROPIC HYPOGONADISM 2 WITHOUT ANOSMIA; HYPOGONADOTROPIC HYPOGONADISM 2 WITH OR WITHOUT ANOSMIA, SUSCEPTIBILITY TO; HYPOGONADOTROPIC HYPOGONADISM 2 WITHOUT ANOSMIA, SUSCEPTIBILITY TO; FGFR1-Related GnRH Deficiency (Kallmann Syndrome 2). Identifiers: Orphanet 478, MedGen C1563720, MONDO:0007844, OMIM 147950. Disease mechanism: loss of function.
Pfeiffer syndrome (ACS5). Also called: ACS V. Identifiers: Orphanet 710, MedGen C0220658, MONDO:0007043, OMIM 101600.

gnomAD v4.1: 9 of 1,614,228 alleles (0.00056%); highest among the groups gnomAD compares: Non-Finnish European, 0.00076%; no homozygotes.

Submissions (2):

Labcorp Genetics (formerly Invitae), Labcorp
Classification: Uncertain significance for Pfeiffer syndrome; Hypogonadotropic hypogonadism 2 with or without anosmia. Last evaluated: 2024-10-24. Review status: criteria provided, single submitter. Criteria: Invitae Variant Classification Sherloc (09022015). Collection method: clinical testing. Allele origin: germline.
Comment: This sequence change replaces leucine, which is neutral and non-polar, with phenylalanine, which is neutral and non-polar, at codon 465 of the FGFR1 protein (p.Leu465Phe). This variant is not present in population databases (gnomAD no frequency). This variant has not been reported in the literature in individuals affected with FGFR1-related conditions. Invitae Evidence Modeling of protein sequence and biophysical properties (such as structural, functional, and spatial information, amino acid conservation, physicochemical variation, residue mobility, and thermodynamic stability) indicates that this missense variant is not expected to disrupt FGFR1 protein function with a negative predictive value of 80%. In summary, the available evidence is currently insufficient to determine the role of this variant in disease. Therefore, it has been classified as a Variant of Uncertain Significance.

Ambry Genetics
Classification: Uncertain significance for Inborn genetic diseases. Last evaluated: 2023-12-27. Review status: criteria provided, single submitter. Criteria: Ambry Variant Classification Scheme 2023. Collection method: clinical testing. Allele origin: germline.